The following is an entry in ClinVar:

Conditions:
Long QT syndrome 5 (LQT5). Identifiers: Orphanet 101016, Orphanet 768, MedGen C1867904, MONDO:0013372, OMIM 613695.

Submission:

Roden Lab, Vanderbilt University Medical Center
No classification provided (evidence only). Condition: Long QT syndrome 5. Review status: no classification provided. Collection method: in vitro. Allele origin: not applicable. Functional consequence: Effect on ion channel function.
ClinVar note: "not provided" was previously submitted as the classification for the variant. However, the classification appeared to be based only on an observation of functional data so it was converted to no classification on 2025-07-30.

NM_000219.6(KCNE1):c.73G>A (p.Gly25Ser)

Gene: KCNE1 (potassium voltage-gated channel subfamily E regulatory subunit 1; minus strand). Cytogenetic location: 21q22.12.
Variant type: single nucleotide variant.
Coding change: c.73G>A on transcript NM_000219.6 (MANE Select); coding-DNA position 73, G replaced by A.
Protein change: p.Gly25Ser; replaces glycine 25 with serine.
Molecular consequence: missense variant.
Genome position (GRCh38, 1-based): chr21:34,449,562, C>T on the plus strand (G>A on the coding strand, the complement: KCNE1 is on the minus strand). VCF-style: chr21-34449562-C-T. GRCh37 (hg19) VCF-style: chr21-35821860-C-T.
Other names: c.73G>A, p.Gly25Ser (NM_001127668.4, NM_001127669.4, NM_001127670.4 and 4 more transcripts); short protein forms G25S.
Identifiers: ClinVar variation 3373974 (VCV003373974.2).